The following is an entry in ClinVar:

NM_007227.3(GPR45):c.1000G>C (p.Ala334Pro)

Gene: GPR45 (G protein-coupled receptor 45; plus strand). Cytogenetic location: 2q12.1.
Variant type: single nucleotide variant.
Coding change: c.1000G>C on transcript NM_007227.3 (MANE Select); coding-DNA position 1000, G replaced by C.
Protein change: p.Ala334Pro; replaces alanine 334 with proline.
Molecular consequence: missense variant.
Genome position (GRCh38, 1-based): chr2:105,242,858, G>C. VCF-style: chr2-105242858-G-C. GRCh37 (hg19) VCF-style: chr2-105859315-G-C.
Other names: short protein forms A334P.
Identifiers: ClinVar variation 4713202 (VCV004713202.1).

ClinVar aggregate classification (germline): Uncertain significance (1 of 4 stars; one submission).

Submission:

Labcorp Genetics (formerly Invitae), Labcorp
Classification: Uncertain significance. Last evaluated: 2025-02-16. Review status: criteria provided, single submitter. Criteria: Invitae Variant Classification Sherloc (09022015). Collection method: clinical testing. Allele origin: germline.
Comment: This sequence change replaces alanine, which is neutral and non-polar, with proline, which is neutral and non-polar, at codon 334 of the GPR45 protein (p.Ala334Pro). This variant is not present in population databases (gnomAD no frequency). This variant has not been reported in the literature in individuals affected with GPR45-related conditions. An algorithm developed to predict the effect of missense changes on protein structure and function (PolyPhen-2) suggests that this variant is likely to be disruptive. In summary, the available evidence is currently insufficient to determine the role of this variant in disease. Therefore, it has been classified as a Variant of Uncertain Significance.